The following is an entry in ClinVar:

ClinVar aggregate classification (germline): Uncertain significance (1 of 4 stars; one submission).

Conditions:
Inborn genetic diseases. Identifiers: MedGen C0950123, MeSH D030342.

Submission:

Ambry Genetics
Classification: Uncertain significance for Inborn genetic diseases. Last evaluated: 2024-12-05. Review status: criteria provided, single submitter. Criteria: Ambry Variant Classification Scheme 2023. Collection method: clinical testing. Allele origin: germline.
Comment: The p.F726C variant (also known as c.2177T>G), located in coding exon 24 of the FANCA gene, results from a T to G substitution at nucleotide position 2177. The phenylalanine at codon 726 is replaced by cysteine, an amino acid with highly dissimilar properties. This amino acid position is conserved. In addition, this alteration is predicted to be deleterious by in silico analysis. Based on the available evidence, the clinical significance of this variant remains unclear.

NM_000135.4(FANCA):c.2177T>G (p.Phe726Cys)

Gene: FANCA (FA complementation group A; minus strand). Cytogenetic location: 16q24.3.
Variant type: single nucleotide variant.
Coding change: c.2177T>G on transcript NM_000135.4 (MANE Select); coding-DNA position 2177, T replaced by G.
Protein change: p.Phe726Cys; replaces phenylalanine 726 with cysteine.
Molecular consequence: missense variant.
Genome position (GRCh38, 1-based): chr16:89,770,609, A>C on the plus strand (T>G on the coding strand, the complement: FANCA is on the minus strand). VCF-style: chr16-89770609-A-C. GRCh37 (hg19) VCF-style: chr16-89837017-A-C.
Other names: c.2177T>G, p.Phe726Cys (NM_001286167.3); short protein forms F726C.
Identifiers: ClinVar variation 3512712 (VCV003512712.1).